The following is an entry in ClinVar:

ClinVar aggregate classification (germline): Uncertain significance (1 of 4 stars; one submission).

Conditions:
Hereditary cancer-predisposing syndrome. Also called: Hereditary Cancer Syndrome; Hereditary neoplastic syndrome; Tumor predisposition; Neoplastic Syndromes, Hereditary. Identifiers: Orphanet 140162, MedGen C0027672, MeSH D009386, MONDO:0015356.

Submission:

Ambry Genetics
Classification: Uncertain significance for Hereditary cancer-predisposing syndrome. Last evaluated: 2021-11-02. Review status: criteria provided, single submitter. Criteria: Ambry Variant Classification Scheme 2023. Collection method: clinical testing. Allele origin: germline.
Comment: The c.2379+3A>G intronic variant results from an A to G substitution 3 nucleotides after coding exon 15 in the BRIP1 gene. This nucleotide position is highly conserved in available vertebrate species. In silico splice site analysis for this alteration is inconclusive and direct evidence is insufficient at this time (Ambry internal data). Since supporting evidence is limited at this time, the clinical significance of this alteration remains unclear.

NM_032043.3(BRIP1):c.2379+3A>G

Gene: BRIP1 (BRCA1 interacting DNA helicase 1; minus strand). Cytogenetic location: 17q23.2.
Variant type: single nucleotide variant.
Coding change: c.2379+3A>G on transcript NM_032043.3 (MANE Select); 3 bases into the intron after coding-DNA position 2379, A replaced by G.
Molecular consequence: intron variant.
Genome position (GRCh38, 1-based): chr17:61,743,010, T>C on the plus strand (A>G on the coding strand, the complement: BRIP1 is on the minus strand). VCF-style: chr17-61743010-T-C. GRCh37 (hg19) VCF-style: chr17-59820371-T-C.
Identifiers: ClinVar variation 1790392 (VCV001790392.2), dbSNP rs2144674805, ClinGen allele CA2580094451.
Genomic context (GRCh38, chr17:61,743,010, plus strand): 5'-AATTAACTTTATACAAAACCAATGACTCCTGTAATAATAAAACTTAAGGTTTTGATGGCC[T>C]ACCTGTAGATCTTTCACATTTGGAAAAGGAATTCCTATTGTTATGACAGCACGGGCATTG-3'